The following is an entry in ClinVar:

NM_000455.5(STK11):c.1173T>C (p.Cys391=)

Gene: STK11 (serine/threonine kinase 11; plus strand). Cytogenetic location: 19p13.3.
Variant type: single nucleotide variant.
Coding change: c.1173T>C on transcript NM_000455.5 (MANE Select); coding-DNA position 1173, T replaced by C.
Protein change: p.Cys391=; no amino-acid change (cysteine 391 retained).
Molecular consequence: synonymous variant.
Genome position (GRCh38, 1-based): chr19:1,226,518, T>C. VCF-style: chr19-1226518-T-C. GRCh37 (hg19) VCF-style: chr19-1226517-T-C.
Identifiers: ClinVar variation 676418 (VCV000676418.12), dbSNP rs1229258407, ClinGen allele CA504708485.

ClinVar aggregate classification (germline): Benign/Likely benign. Review status: criteria provided, multiple submitters, no conflicts (2 of 4 stars). 4 submissions from 4 submitters: Benign (1); Likely benign (3). Last evaluated 2025-03-28.

Conditions:
Hereditary cancer-predisposing syndrome. Also called: Neoplastic Syndromes, Hereditary; Tumor predisposition; Hereditary neoplastic syndrome; Hereditary Cancer Syndrome. Identifiers: Orphanet 140162, MedGen C0027672, MeSH D009386, MONDO:0015356.
Peutz-Jeghers syndrome (PJS). Also called: Peutz-Jeghers polyposis; Periorificial lentiginosis syndrome; POLYPOSIS, HAMARTOMATOUS INTESTINAL; POLYPS-AND-SPOTS SYNDROME. Identifiers: Orphanet 2869, MedGen C0031269, MeSH D010580, MONDO:0008280, OMIM 175200.

Allele frequency attached by ClinVar (database versions not stated): gnomAD exomes below 0.00001; gnomAD 0.00001.
gnomAD v4.1: 6 of 1,610,064 alleles (0.00037%); highest among the groups gnomAD compares: Non-Finnish European, 0.00051%; no homozygotes.

Submissions (4):

Myriad Genetics, Inc.
Classification: Benign for Peutz-Jeghers syndrome. Last evaluated: 2025-03-28. Review status: criteria provided, single submitter. Criteria: Myriad Autosomal Dominant, Autosomal Recessive and X-Linked Classification Criteria (2023). Collection method: clinical testing. Allele origin: unknown.
Comment: This variant is considered benign. This variant is a silent/synonymous amino acid change and it is not expected to impact splicing.

Labcorp Genetics (formerly Invitae), Labcorp
Classification: Likely benign for Peutz-Jeghers syndrome. Last evaluated: 2024-03-12. Review status: criteria provided, single submitter. Criteria: Invitae Variant Classification Sherloc (09022015). Collection method: clinical testing. Allele origin: germline.

Ambry Genetics
Classification: Likely benign for Hereditary cancer-predisposing syndrome. Last evaluated: 2023-08-04. Review status: criteria provided, single submitter. Criteria: Ambry Variant Classification Scheme 2023. Collection method: clinical testing. Allele origin: germline.

GeneDx
Classification: Likely benign. Last evaluated: 2018-03-29. Review status: criteria provided, single submitter. Criteria: GeneDx Variant Classification (06012015). Collection method: clinical testing. Allele origin: germline. Affected: yes.
Comment: This variant is considered likely benign or benign based on one or more of the following criteria: it is a conservative change, it occurs at a poorly conserved position in the protein, it is predicted to be benign by multiple in silico algorithms, and/or has population frequency not consistent with disease.